The following is an entry in ClinVar:

NM_001399.5(EDA):c.526+1G>A

Gene: EDA (ectodysplasin A; plus strand). Cytogenetic location: Xq13.1.
Variant type: single nucleotide variant.
Coding change: c.526+1G>A on transcript NM_001399.5 (MANE Select); the canonical splice donor site of the intron after coding-DNA position 526, G replaced by A.
Molecular consequence: splice donor variant.
Genome position (GRCh38, 1-based): chrX:70,023,242, G>A. VCF-style: chrX-70023242-G-A. GRCh37 (hg19) VCF-style: chrX-69243092-G-A.
Other names: c.526+1G>A (NM_001005609.2, NM_001005612.3).
Identifiers: ClinVar variation 1359142 (VCV001359142.8), dbSNP rs2147503858, ClinGen allele CA413448160.

ClinVar aggregate classification (germline): Pathogenic (1 of 4 stars; one submission).

Conditions:
Hypohidrotic X-linked ectodermal dysplasia (XHED). Also called: ECTODERMAL DYSPLASIA, HYPOHIDROTIC, 1; CST SYNDROME; Christ-Siemans-Touraine syndrome; ECTODERMAL DYSPLASIA 1; Ectodermal Dysplasia 1, Anhidrotic; Anhidrotic ectodermal dysplasia X-linked. Identifiers: Orphanet 181, Orphanet 238468, MedGen C0162359, MONDO:0010585, OMIM 305100.

Submission:

Labcorp Genetics (formerly Invitae), Labcorp
Classification: Pathogenic for Hypohidrotic X-linked ectodermal dysplasia. Last evaluated: 2023-07-19. Review status: criteria provided, single submitter. Criteria: Invitae Variant Classification Sherloc (09022015). Collection method: clinical testing. Allele origin: germline.
Comment: This sequence change affects a donor splice site in intron 3 of the EDA gene. RNA analysis indicates that disruption of this splice site induces altered splicing and likely results in a shortened protein product. This variant is not present in population databases (gnomAD no frequency). Disruption of this splice site has been observed in individual(s) with clinical features of ectodermal dysplasia (PMID: 29676859). It has also been observed to segregate with disease in related individuals. ClinVar contains an entry for this variant (Variation ID: 1359142). Studies have shown that disruption of this splice site results in skipping of exon 3, but is expected to preserve the integrity of the reading-frame (PMID: 29676859). For these reasons, this variant has been classified as Pathogenic.

Literature cited by the submitters: PubMed 29676859.